The following is an entry in ClinVar:

ClinVar aggregate classification (germline): Uncertain significance (1 of 4 stars; one submission).

Conditions:
AFF3-related disorder. Also called: AFF3-related condition.

Submission:

PreventionGenetics, part of Exact Sciences
Classification: Uncertain significance for AFF3-related condition. Last evaluated: 2025-02-25. Review status: criteria provided, single submitter. Criteria: ACMG Guidelines, 2015. Collection method: clinical testing. Allele origin: germline.
Comment: The AFF3 c.2537C>T variant is predicted to result in the amino acid substitution p.Ala846Val. To our knowledge, this variant has not been reported in the literature or in a large population database (gnomAD), indicating this variant is rare. At this time, the clinical significance of this variant is uncertain due to the absence of conclusive functional and genetic evidence.

NM_001386135.1(AFF3):c.2537C>T (p.Ala846Val)

Gene: AFF3 (ALF transcription elongation factor 3; minus strand). Cytogenetic location: 2q11.2.
Variant type: single nucleotide variant.
Coding change: c.2537C>T on transcript NM_001386135.1 (MANE Select); coding-DNA position 2537, C replaced by T.
Protein change: p.Ala846Val; replaces alanine 846 with valine.
Molecular consequence: missense variant.
Genome position (GRCh38, 1-based): chr2:99,587,208, G>A on the plus strand (C>T on the coding strand, the complement: AFF3 is on the minus strand). VCF-style: chr2-99587208-G-A. GRCh37 (hg19) VCF-style: chr2-100203670-G-A.
Other names: c.2612C>T, p.Ala871Val (NM_001025108.2); c.2537C>T, p.Ala846Val (NM_002285.3); short protein forms A871V, A846V.
Identifiers: ClinVar variation 4999952 (VCV004999952.1).